The following is an entry in ClinVar:

NM_001112741.2(KCNC1):c.1229C>T (p.Thr410Met)

Gene: KCNC1 (potassium voltage-gated channel subfamily C member 1; plus strand). Cytogenetic location: 11p15.1.
Variant type: single nucleotide variant.
Coding change: c.1229C>T on transcript NM_001112741.2 (MANE Select); coding-DNA position 1229, C replaced by T.
Protein change: p.Thr410Met; replaces threonine 410 with methionine.
Molecular consequence: missense variant.
Genome position (GRCh38, 1-based): chr11:17,772,323, C>T. VCF-style: chr11-17772323-C-T. GRCh37 (hg19) VCF-style: chr11-17793870-C-T.
Other names: c.1229C>T, p.Thr410Met (NM_004976.4); short protein forms T410M.
Identifiers: ClinVar variation 3720877 (VCV003720877.2).

ClinVar aggregate classification (germline): Uncertain significance (1 of 4 stars; one submission).

Conditions:
Progressive myoclonic epilepsy type 7. Identifiers: Orphanet 435438, MedGen C4015420, MONDO:0014521, OMIM 616187.

gnomAD v4.1: 1 of 1,614,180 alleles (0.000062%); highest among the groups gnomAD compares: Non-Finnish European, 0.000085%; no homozygotes.

Submission:

Labcorp Genetics (formerly Invitae), Labcorp
Classification: Uncertain significance for Progressive myoclonic epilepsy type 7. Last evaluated: 2024-12-08. Review status: criteria provided, single submitter. Criteria: Invitae Variant Classification Sherloc (09022015). Collection method: clinical testing. Allele origin: germline.
Comment: This sequence change replaces threonine, which is neutral and polar, with methionine, which is neutral and non-polar, at codon 410 of the KCNC1 protein (p.Thr410Met). This variant is not present in population databases (gnomAD no frequency). This variant has not been reported in the literature in individuals affected with KCNC1-related conditions. Invitae Evidence Modeling of protein sequence and biophysical properties (such as structural, functional, and spatial information, amino acid conservation, physicochemical variation, residue mobility, and thermodynamic stability) indicates that this missense variant is expected to disrupt KCNC1 protein function with a positive predictive value of 80%. In summary, the available evidence is currently insufficient to determine the role of this variant in disease. Therefore, it has been classified as a Variant of Uncertain Significance.